The following is an entry in ClinVar:

ClinVar aggregate classification (germline): Uncertain significance (1 of 4 stars; one submission).

Allele frequency attached by ClinVar (database versions not stated): gnomAD 0.00004.
gnomAD v4.1: 46 of 1,544,070 alleles (0.003%); highest among the groups gnomAD compares: African/African-American, 0.0055%; no homozygotes.

Submissions (2):

Labcorp Genetics (formerly Invitae), Labcorp
Classification: Uncertain significance. Last evaluated: 2025-09-10. Review status: criteria provided, single submitter. Criteria: Invitae Variant Classification Sherloc (09022015). Collection method: clinical testing. Allele origin: germline.
Comment: This sequence change falls in intron 7 of the ACAN gene. It does not directly change the encoded amino acid sequence of the ACAN protein. It affects a nucleotide within the consensus splice site. The frequency data for this variant in the population databases is considered unreliable, as metrics indicate poor data quality at this position in the gnomAD database. This variant has not been reported in the literature in individuals affected with ACAN-related conditions. ClinVar contains an entry for this variant (Variation ID: 1450759). Variants that disrupt the consensus splice site are a relatively common cause of aberrant splicing (PMID: 17576681, 9536098). Algorithms developed to predict the effect of sequence changes on RNA splicing suggest that this variant is not likely to affect RNA splicing. In summary, the available evidence is currently insufficient to determine the role of this variant in disease. Therefore, it has been classified as a Variant of Uncertain Significance.

Dr. Peter K. Rogan Lab, Western University
No classification provided (evidence only). Condition: Adrenocortical carcinoma, hereditary. Review status: no classification provided. Collection method: in vitro. Allele origin: not applicable. Functional consequence: retained intron. Not counted in ClinVar's aggregate classification.

Literature cited by the submitters: PubMed 17576681 (cited by Labcorp Genetics (formerly Invitae), Labcorp); PubMed 9536098 (cited by Labcorp Genetics (formerly Invitae), Labcorp).

NM_001369268.1(ACAN):c.1430-3C>T

Gene: ACAN (aggrecan; plus strand). Cytogenetic location: 15q26.1.
Variant type: single nucleotide variant.
Coding change: c.1430-3C>T on transcript NM_001369268.1 (MANE Select); 3 bases into the intron before coding-DNA position 1430, C replaced by T.
Molecular consequence: intron variant.
Genome position (GRCh38, 1-based): chr15:88,847,240, C>T. VCF-style: chr15-88847240-C-T. GRCh37 (hg19) VCF-style: chr15-89390471-C-T.
Other names: c.1430-3C>T (NM_013227.4, NM_001135.4).
Identifiers: ClinVar variation 1450759 (VCV001450759.7), dbSNP rs894526104, ClinGen allele CA274471676.